The following is an entry in ClinVar:

ClinVar aggregate classification (germline): Uncertain significance (1 of 4 stars; one submission).

Conditions:
Neurofibromatosis, type 1 (NF1). Also called: VON RECKLINGHAUSEN DISEASE; Neurofibromatosis, type I; NEUROFIBROMATOSIS, TYPE I, SOMATIC; Peripheral type neurofibromatosis. Identifiers: Orphanet 636, MedGen C0027831, MONDO:0018975, OMIM 162200. Disease mechanism: loss of function.

Submission:

Labcorp Genetics (formerly Invitae), Labcorp
Classification: Uncertain significance for Neurofibromatosis, type 1. Last evaluated: 2024-11-13. Review status: criteria provided, single submitter. Criteria: Invitae Variant Classification Sherloc (09022015). Collection method: clinical testing. Allele origin: germline.
Comment: This sequence change replaces histidine, which is basic and polar, with glutamine, which is neutral and polar, at codon 1251 of the NF1 protein (p.His1251Gln). This variant is not present in population databases (gnomAD no frequency). This variant has not been reported in the literature in individuals affected with NF1-related conditions. ClinVar contains an entry for this variant (Variation ID: 650763). Invitae Evidence Modeling of protein sequence and biophysical properties (such as structural, functional, and spatial information, amino acid conservation, physicochemical variation, residue mobility, and thermodynamic stability) indicates that this missense variant is expected to disrupt NF1 protein function with a positive predictive value of 80%. In summary, the available evidence is currently insufficient to determine the role of this variant in disease. Therefore, it has been classified as a Variant of Uncertain Significance.

NM_001042492.3(NF1):c.3753T>A (p.His1251Gln)

Gene: NF1 (neurofibromin 1; plus strand). Cytogenetic location: 17q11.2.
Variant type: single nucleotide variant.
Coding change: c.3753T>A on transcript NM_001042492.3 (MANE Select); coding-DNA position 3753, T replaced by A.
Protein change: p.His1251Gln; replaces histidine 1251 with glutamine.
Molecular consequence: missense variant.
Genome position (GRCh38, 1-based): chr17:31,235,655, T>A. VCF-style: chr17-31235655-T-A. GRCh37 (hg19) VCF-style: chr17-29562673-T-A.
Other names: c.3753T>A, p.His1251Gln (NM_000267.4); short protein forms H1251Q.
Identifiers: ClinVar variation 650763 (VCV000650763.5), dbSNP rs1597722470, ClinGen allele CA398992472.
Genomic context (GRCh38, chr17:31,235,655, plus strand): 5'-TTTGTTTTGTTCTCAGGATGAACTAGCTCGAGTTCTGGTTACTCTGTTTGATTCTCGGCA[T>A]TTACTCTACCAACTGCTCTGGAACATGTTTTCTAAAGAAGTAGAATTGGCAGACTCCATG-3'
Protein context (NP_001035957.1, residues 1241-1261): RVLVTLFDSR[His1251Gln]LLYQLLWNMF